The following is an entry in ClinVar:

ClinVar aggregate classification (germline): Uncertain significance (1 of 4 stars; one submission).

gnomAD v4.1: 10 of 1,613,070 alleles (0.00062%); highest among the groups gnomAD compares: African/African-American, 0.013%; no homozygotes.

Submission:

Labcorp Genetics (formerly Invitae), Labcorp
Classification: Uncertain significance. Last evaluated: 2024-10-17. Review status: criteria provided, single submitter. Criteria: Invitae Variant Classification Sherloc (09022015). Collection method: clinical testing. Allele origin: germline.
Comment: This sequence change replaces leucine, which is neutral and non-polar, with proline, which is neutral and non-polar, at codon 268 of the IMPG1 protein (p.Leu268Pro). This variant is present in population databases (rs140491071, gnomAD 0.02%). This variant has not been reported in the literature in individuals affected with IMPG1-related conditions. An algorithm developed to predict the effect of missense changes on protein structure and function (PolyPhen-2) suggests that this variant is likely to be disruptive. In summary, the available evidence is currently insufficient to determine the role of this variant in disease. Therefore, it has been classified as a Variant of Uncertain Significance.

NM_001563.4(IMPG1):c.803T>C (p.Leu268Pro)

Gene: IMPG1 (interphotoreceptor matrix proteoglycan 1; minus strand). Cytogenetic location: 6q14.1.
Variant type: single nucleotide variant.
Coding change: c.803T>C on transcript NM_001563.4 (MANE Select); coding-DNA position 803, T replaced by C.
Protein change: p.Leu268Pro; replaces leucine 268 with proline.
Molecular consequence: missense variant.
Genome position (GRCh38, 1-based): chr6:76,018,722, A>G on the plus strand (T>C on the coding strand, the complement: IMPG1 is on the minus strand). VCF-style: chr6-76018722-A-G. GRCh37 (hg19) VCF-style: chr6-76728439-A-G.
Other names: c.569T>C, p.Leu190Pro (NM_001282368.2); short protein forms L268P, L190P.
Identifiers: ClinVar variation 3711659 (VCV003711659.2).